The following is an entry in ClinVar:

NM_001001344.3(ATP2B3):c.-3A>G

Gene: ATP2B3 (ATPase plasma membrane Ca2+ transporting 3; plus strand). Cytogenetic location: Xq28.
Variant type: single nucleotide variant.
Coding change: c.-3A>G on transcript NM_001001344.3 (MANE Select); 3 bases upstream of the start codon, A replaced by G.
Molecular consequence: 5 prime UTR variant.
Genome position (GRCh38, 1-based): chrX:153,536,245, A>G. VCF-style: chrX-153536245-A-G. GRCh37 (hg19) VCF-style: chrX-152801703-A-G.
Other names: c.-3A>G (NM_001388360.1, NM_001388361.1, NM_001388362.1 and 2 more transcripts).
Identifiers: ClinVar variation 3042913 (VCV003042913.2), dbSNP rs186232930, ClinGen allele CA10547402.
Genomic context (GRCh38, chrX:153,536,245, plus strand): 5'-GGCCGCCTGTCCCTAGCTGTGGCTGAGCCAAGATTGCACTTGTGAGAAGGCCTGACAGGC[A>G]GCATGGGCGACATGGCCAATAGTTCCATCGAGTTCCACCCCAAGCCCCAGCAGCAGCGGG-3'

ClinVar aggregate classification (germline): Likely benign (0 of 4 stars; one submission).

Conditions:
ATP2B3-related disorder. Also called: ATP2B3-related condition.

Allele frequency attached by ClinVar (database versions not stated): gnomAD exomes 0.00011; ExAC 0.00076; ESP Exome Variant Server 0.00076; gnomAD 0.00088; TOPMed 0.00099; 1000 Genomes Project 30x 0.00187; 1000 Genomes Project 0.00238.
gnomAD v4.1: 226 of 1,187,770 alleles (0.019%); highest among the groups gnomAD compares: African/African-American, 0.31%; 1 homozygote.

Submission:

PreventionGenetics, part of Exact Sciences
Classification: Likely benign for ATP2B3-related condition. Last evaluated: 2019-07-02. Review status: no assertion criteria provided. Collection method: clinical testing. Allele origin: germline.
Comment: This variant is classified as likely benign based on ACMG/AMP sequence variant interpretation guidelines (Richards et al. 2015 PMID: 25741868, with internal and published modifications).